The following is an entry in ClinVar:

ClinVar aggregate classification (germline): Uncertain significance (1 of 4 stars; one submission).

Conditions:
Methylcobalamin deficiency type cblG (HMAG). Also called: HOMOCYSTINURIA-MEGALOBLASTIC ANEMIA DUE TO DEFECT IN COBALAMIN METABOLISM, cblG COMPLEMENTATION TYPE; HOMOCYSTINURIA-MEGALOBLASTIC ANEMIA, cblG COMPLEMENTATION TYPE; HOMOCYSTINURIA-MEGALOBLASTIC ANEMIA, cblG TYPE; Functional methionine synthase deficiency type cblG. Identifiers: Orphanet 2170, Orphanet 622, MedGen C1855128, MONDO:0009609, OMIM 250940.

Submission:

Labcorp Genetics (formerly Invitae), Labcorp
Classification: Uncertain significance for Methylcobalamin deficiency type cblG. Last evaluated: 2019-11-12. Review status: criteria provided, single submitter. Criteria: Invitae Variant Classification Sherloc (09022015). Collection method: clinical testing. Allele origin: germline.
Comment: In summary, the available evidence is currently insufficient to determine the role of this variant in disease. Therefore, it has been classified as a Variant of Uncertain Significance. Algorithms developed to predict the effect of missense changes on protein structure and function output the following: SIFT: "Tolerated"; PolyPhen-2: "Benign"; Align-GVGD: "Class C0". The histidine amino acid residue is found in multiple mammalian species, suggesting that this missense change does not adversely affect protein function. These predictions have not been confirmed by published functional studies and their clinical significance is uncertain. This variant has not been reported in the literature in individuals with MTR-related conditions. This variant is not present in population databases (ExAC no frequency). This sequence change replaces leucine with histidine at codon 761 of the MTR protein (p.Leu761His). The leucine residue is weakly conserved and there is a moderate physicochemical difference between leucine and histidine.

NM_000254.3(MTR):c.2282T>A (p.Leu761His)

Gene: MTR (5-methyltetrahydrofolate-homocysteine methyltransferase; plus strand). Cytogenetic location: 1q43.
Variant type: single nucleotide variant.
Coding change: c.2282T>A on transcript NM_000254.3 (MANE Select); coding-DNA position 2282, T replaced by A.
Protein change: p.Leu761His; replaces leucine 761 with histidine.
Molecular consequence: missense variant.
Genome position (GRCh38, 1-based): chr1:236,862,321, T>A. VCF-style: chr1-236862321-T-A. GRCh37 (hg19) VCF-style: chr1-237025621-T-A.
Other names: c.2129T>A, p.Leu710His (NM_001291939.1); c.1061T>A, p.Leu354His (NM_001291940.2); short protein forms L710H, L354H, L761H.
Identifiers: ClinVar variation 967416 (VCV000967416.9), dbSNP rs1664590593, ClinGen allele CA345378057.